The following is an entry in ClinVar:

NM_000016.6(ACADM):c.600G>A (p.Trp200Ter)

Gene: ACADM (acyl-CoA dehydrogenase medium chain; plus strand). Cytogenetic location: 1p31.1.
Variant type: single nucleotide variant.
Coding change: c.600G>A on transcript NM_000016.6 (MANE Select); coding-DNA position 600, G replaced by A.
Protein change: p.Trp200Ter; replaces tryptophan 200 with a stop codon.
Molecular consequence: nonsense.
Genome position (GRCh38, 1-based): chr1:75,745,806, G>A. VCF-style: chr1-75745806-G-A. GRCh37 (hg19) VCF-style: chr1-76211491-G-A.
Other names: c.612G>A, p.Trp204Ter (NM_001127328.3); c.492G>A, p.Trp164Ter (NM_001286042.2); c.699G>A, p.Trp233Ter (NM_001286043.2); c.33G>A, p.Trp11Ter (NM_001286044.2); short protein forms W11*, W164*, W200*, W204*, W233*.
Identifiers: ClinVar variation 1726351 (VCV001726351.6), dbSNP rs1553124735, ClinGen allele CA913158.

ClinVar aggregate classification (germline): Pathogenic/Likely pathogenic. Review status: criteria provided, multiple submitters, no conflicts (2 of 4 stars). 3 submissions from 3 submitters: Pathogenic (1); Likely pathogenic (2). Last evaluated 2025-05-21.

Conditions:
Medium-chain acyl-coenzyme A dehydrogenase deficiency (ACADMD). Also called: MCADD; CARNITINE DEFICIENCY SECONDARY TO MEDIUM-CHAIN ACYL-CoA DEHYDROGENASE DEFICIENCY; MCAD Deficiency; MCADH DEFICIENCY; Medium chain acyl-CoA dehydrogenase deficiency; ACADM DEFICIENCY. Identifiers: Orphanet 42, MedGen C0220710, MONDO:0008721, OMIM 201450.

Allele frequency attached by ClinVar (database versions not stated): gnomAD exomes below 0.00001; ExAC 0.00001.
gnomAD v4.1: 1 of 1,607,552 alleles (0.000062%); no homozygotes.

Submissions (3):

Natera, Inc.
Classification: Likely pathogenic for Medium Chain Acyl-CoA Dehydrogenase Deficiency. Last evaluated: 2025-05-21. Review status: criteria provided, single submitter. Criteria: Natera Variant Classification Schema (03/2026). Collection method: clinical testing. Allele origin: germline.
Comment: The c.600G>A variant in ACADM is a nonsense variant predicted to introduce a stop codon at amino acid 200. This variant is expected to result in nonsense mediated decay, truncation, or a dysfunctional protein product. This variant is rare in the general population with a frequency below the threshold expected for the associated phenotype(s). Given the available evidence, this variant is classified as Likely Pathogenic.

Labcorp Genetics (formerly Invitae), Labcorp
Classification: Pathogenic for Medium-chain acyl-coenzyme A dehydrogenase deficiency. Last evaluated: 2023-11-17. Review status: criteria provided, single submitter. Criteria: Invitae Variant Classification Sherloc (09022015). Collection method: clinical testing. Allele origin: germline.
Comment: This sequence change creates a premature translational stop signal (p.Trp200*) in the ACADM gene. It is expected to result in an absent or disrupted protein product. Loss-of-function variants in ACADM are known to be pathogenic (PMID: 16121256, 20434380). This variant is present in population databases (no rsID available, gnomAD 0.004%). This variant has not been reported in the literature in individuals affected with ACADM-related conditions. ClinVar contains an entry for this variant (Variation ID: 1726351). Algorithms developed to predict the effect of sequence changes on RNA splicing suggest that this variant may disrupt the consensus splice site. For these reasons, this variant has been classified as Pathogenic.

Myriad Genetics, Inc.
Classification: Likely pathogenic for Medium-chain acyl-coenzyme A dehydrogenase deficiency. Last evaluated: 2021-12-16. Review status: criteria provided, single submitter. Criteria: Myriad Women's Health Autosomal Recessive and X-Linked Classification Criteria (2021). Collection method: clinical testing. Allele origin: unknown.
Comment: NM_000016.4(ACADM):c.600G>A(W200*) is expected to be pathogenic in the context of medium chain acyl-CoA dehydrogenase deficiency. This variant is predicted to lead to an abnormal or absent protein product due to the creation of a premature termination codon in ACADM, a gene where loss-of-function variants are known to be pathogenic. Please note: this variant was assessed in the context of healthy population screening.

Literature cited by the submitters: PubMed 16121256 (cited by Labcorp Genetics (formerly Invitae), Labcorp); PubMed 20434380 (cited by Labcorp Genetics (formerly Invitae), Labcorp).